The following is an entry in ClinVar:

ClinVar aggregate classification (germline): Benign. Review status: criteria provided, multiple submitters, no conflicts (2 of 4 stars). 2 submissions from 2 submitters: Benign (2). Last evaluated 2018-01-13.

Conditions:
Megalencephalic leukoencephalopathy with subcortical cysts 1 (MLC1). Also called: LEUKOENCEPHALOPATHY WITH SWELLING AND CYSTS; VACUOLATING MEGALENCEPHALIC LEUKOENCEPHALOPATHY WITH SUBCORTICAL CYSTS. Identifiers: Orphanet 2478, MedGen C5779875, MONDO:0024555, OMIM 604004.

Allele frequency attached by ClinVar (database versions not stated): gnomAD exomes 0.11572; gnomAD 0.11696 and 0.12132; TOPMed 0.12338; 1000 Genomes Project 30x 0.12898; 1000 Genomes Project 0.13039.
gnomAD v4.1: 18,579 of 152,716 alleles (12%); highest among the groups gnomAD compares: South Asian, 23%; 1,268 homozygotes.

Submissions (2):

Illumina Laboratory Services, Illumina
Classification: Benign for Megalencephalic leukoencephalopathy with subcortical cysts 1. Last evaluated: 2018-01-13. Review status: criteria provided, single submitter. Criteria: ICSL Variant Classification Criteria 13 December 2019. Collection method: clinical testing. Allele origin: germline.
Comment: This variant was observed in the ICSL laboratory as part of a predisposition screen in an ostensibly healthy population. It had not been previously curated by ICSL or reported in the Human Gene Mutation Database (HGMD: prior to June 1st, 2018), and was therefore a candidate for classification through an automated scoring system. Utilizing variant allele frequency, disease prevalence and penetrance estimates, and inheritance mode, an automated score was calculated to assess if this variant is too frequent to cause the disease. Based on the score and internal cut-off values, a variant classified as benign is not then subjected to further curation. The score for this variant resulted in a classification of benign for this disease.

Breakthrough Genomics
Classification: Benign. Review status: criteria provided, single submitter. Criteria: ACMG Guidelines, 2015. Collection method: not provided. Allele origin: germline. Inheritance: Autosomal recessive inheritance. Affected: yes.

NM_015166.4(MLC1):c.*991T>G

Gene: MLC1 (modulator of VRAC current 1; minus strand). Cytogenetic location: 22q13.33.
Variant type: single nucleotide variant.
Coding change: c.*991T>G on transcript NM_015166.4 (MANE Select); 991 bases downstream of the stop codon, T replaced by G.
Molecular consequence: 3 prime UTR variant. On other transcripts: intron variant (2).
Genome position (GRCh38, 1-based): chr22:50,060,592, A>C on the plus strand (T>G on the coding strand, the complement: MLC1 is on the minus strand). VCF-style: chr22-50060592-A-C. GRCh37 (hg19) VCF-style: chr22-50499021-A-C.
Other names: c.*991T>G (NM_001376472.1, NM_001376473.1, NM_001376474.1 and 9 more transcripts); c.*46-440T>G (NM_001376478.1, NM_001376477.1).
Identifiers: ClinVar variation 342087 (VCV000342087.6), dbSNP rs11704648, ClinGen allele CA10645744.